The following is an entry in ClinVar:

NM_001102401.4(TTI2):c.290A>C (p.Lys97Thr)

Gene: TTI2 (TELO2 interacting protein 2; minus strand). Cytogenetic location: 8p12.
Variant type: single nucleotide variant.
Coding change: c.290A>C on transcript NM_001102401.4 (MANE Select); coding-DNA position 290, A replaced by C.
Protein change: p.Lys97Thr; replaces lysine 97 with threonine.
Molecular consequence: missense variant.
Genome position (GRCh38, 1-based): chr8:33,512,324, T>G on the plus strand (A>C on the coding strand, the complement: TTI2 is on the minus strand). VCF-style: chr8-33512324-T-G. GRCh37 (hg19) VCF-style: chr8-33369842-T-G.
Other names: c.290A>C, p.Lys97Thr (NM_001265581.2, NM_001330505.3, NM_025115.5); c.290A>C (NM_025115.2); short protein forms K97T.
Identifiers: ClinVar variation 2658534 (VCV002658534.25), dbSNP rs752200108, ClinGen allele CA4707374.

ClinVar aggregate classification (germline): Conflicting classifications of pathogenicity. Review status: criteria provided, conflicting classifications (1 of 4 stars). 2 submissions from 2 submitters: Uncertain significance (1); Likely benign (1). Last evaluated 2025-06-01.

Conditions:
Inborn genetic diseases. Identifiers: MedGen C0950123, MeSH D030342.

Allele frequency attached by ClinVar (database versions not stated): gnomAD 0.00006; ExAC 0.00007; gnomAD exomes 0.00007; TOPMed 0.00008.
gnomAD v4.1: 117 of 1,614,044 alleles (0.0072%); highest among the groups gnomAD compares: Non-Finnish European, 0.0084%; no homozygotes.

Submissions (2):

CeGaT Center for Human Genetics Tuebingen
Classification: Likely benign. Last evaluated: 2025-06-01. Review status: criteria provided, single submitter. Criteria: CeGaT Center For Human Genetics Tuebingen Variant Classification Criteria Version 2. Collection method: clinical testing. Allele origin: germline. Affected: yes. Observed: 2 variant alleles.
Comment: TTI2: BP4

Ambry Genetics
Classification: Uncertain significance for Inborn genetic diseases. Last evaluated: 2021-05-03. Review status: criteria provided, single submitter. Criteria: Ambry Variant Classification Scheme 2023. Collection method: clinical testing. Allele origin: germline.